The following is an entry in ClinVar:

NM_018670.4(MESP1):c.370G>C (p.Glu124Gln)

Gene: MESP1 (mesoderm posterior bHLH transcription factor 1; minus strand). Cytogenetic location: 15q26.1.
Variant type: single nucleotide variant.
Coding change: c.370G>C on transcript NM_018670.4 (MANE Select); coding-DNA position 370, G replaced by C.
Protein change: p.Glu124Gln; replaces glutamic acid 124 with glutamine.
Molecular consequence: missense variant.
Genome position (GRCh38, 1-based): chr15:89,750,862, C>G on the plus strand (G>C on the coding strand, the complement: MESP1 is on the minus strand). VCF-style: chr15-89750862-C-G. GRCh37 (hg19) VCF-style: chr15-90294093-C-G.
Other names: short protein forms E124Q.
Identifiers: ClinVar variation 2961111 (VCV002961111.3), dbSNP rs528905038, ClinGen allele CA7730221.

ClinVar aggregate classification (germline): Uncertain significance (1 of 4 stars; one submission).

Allele frequency attached by ClinVar (database versions not stated): 1000 Genomes Project 0.00020; 1000 Genomes Project 30x 0.00016.
gnomAD v4.1: 118 of 1,528,962 alleles (0.0077%); highest among the groups gnomAD compares: South Asian, 0.053%; 1 homozygote.

Submission:

Labcorp Genetics (formerly Invitae), Labcorp
Classification: Uncertain significance. Last evaluated: 2023-06-16. Review status: criteria provided, single submitter. Criteria: Invitae Variant Classification Sherloc (09022015). Collection method: clinical testing. Allele origin: germline.
Comment: This sequence change replaces glutamic acid, which is acidic and polar, with glutamine, which is neutral and polar, at codon 124 of the MESP1 protein (p.Glu124Gln). This variant is present in population databases (rs528905038, gnomAD 0.1%), and has an allele count higher than expected for a pathogenic variant. This variant has not been reported in the literature in individuals affected with MESP1-related conditions. An algorithm developed to predict the effect of missense changes on protein structure and function (PolyPhen-2) suggests that this variant is likely to be disruptive. In summary, the available evidence is currently insufficient to determine the role of this variant in disease. Therefore, it has been classified as a Variant of Uncertain Significance.